The following is an entry in ClinVar:

NM_000330.4(RS1):c.150G>T (p.Trp50Cys)

Gene: RS1 (retinoschisin 1; minus strand). Cytogenetic location: Xp22.13.
Variant type: single nucleotide variant.
Coding change: c.150G>T on transcript NM_000330.4 (MANE Select); coding-DNA position 150, G replaced by T.
Protein change: p.Trp50Cys; replaces tryptophan 50 with cysteine.
Molecular consequence: missense variant.
Genome position (GRCh38, 1-based): chrX:18,656,687, C>A on the plus strand (G>T on the coding strand, the complement: RS1 is on the minus strand). VCF-style: chrX-18656687-C-A. GRCh37 (hg19) VCF-style: chrX-18674807-C-A.
Other names: NM_000330.4(RS1):c.150G>T; p.Trp50Cys; c.150G>T (NM_000330.3); short protein forms W50C.
Identifiers: ClinVar variation 1164535 (VCV001164535.14), dbSNP rs200866925, ClinGen allele CA10360804.

ClinVar aggregate classification (germline): Likely benign. Review status: reviewed by expert panel (3 of 4 stars). 5 submissions from 5 submitters: Likely benign (1). 4 of the submissions do not count toward it. Last evaluated 2025-05-19.

Conditions:
RS1-related disorder. Also called: RS1-related condition.
Retinal dystrophy. Also called: Inherited retinal dystrophy. Identifiers: Orphanet 71862, MedGen C0854723, MeSH D058499, MONDO:0019118, HP:0000556.
Juvenile retinoschisis (RS1). Also called: X-Linked Juvenile Retinoschisis; X-linked retinoschisis. Identifiers: Orphanet 792, MedGen C3714753, MONDO:0010725, OMIM 312700.

Allele frequency attached by ClinVar (database versions not stated): gnomAD exomes 0.00007 and 0.00018; ExAC 0.00008; gnomAD 0.00011 and 0.00012; TOPMed 0.00012; ESP Exome Variant Server 0.00019; 1000 Genomes Project 30x 0.00021; 1000 Genomes Project 0.00026.
gnomAD v4.1: 212 of 1,209,037 alleles (0.018%); highest among the groups gnomAD compares: Non-Finnish European, 0.023%; no homozygotes.

Submissions (6):

ClinGen X-linked Inherited Retinal Disease Variant Curation Expert Panel, ClinGen
Classification: Likely benign for Juvenile retinoschisis. Last evaluated: 2025-05-19. Review status: reviewed by expert panel. Criteria: ClinGen X LinkedIRD ACMG Specifications RS1 V1.0.0. Collection method: curation. Allele origin: germline. Inheritance: X-linked inheritance.
Comment: The NM_000330.4(RS1):c.150G>T variant is a missense variant encoding the substitution of Tryptophan with Cysteine at amino acid 50. This variant is present in gnomAD v.4.1.0 at a frequency of 0.0001765 among hemizygous individuals, with 70 variant alleles / 396581 total alleles, which is higher than the ClinGen X-linked IRD VCEP BS1 threshold of >>0.00002 (BS1). The computational predictor REVEL gives a score of 0.625, which is between the ClinGen X-linked IRD VCEP thresholds of >0.664 and <0.290 and does not predict a damaging effect on RS1 function. Additionally, the splicing impact predictor SpliceAI gives a score of 0.05, which is below the ClinGen X-linked IRD VCEP recommended threshold of ≥0.2 and does not strongly predict an impact on splicing. Collectively, the BP4 and PP3 codes do not apply. In summary, this variant is classified as likely benign for X-linked retinoschisis based on the ClinGen X-linked Inherited Retinal Disease Expert Panel Specifications to the ACMG/AMP Variant Interpretation Guidelines for RS1 Version 1.0.0: BS1. (date of approval 01/24/2025).

Labcorp Genetics (formerly Invitae), Labcorp
Classification: Benign. Last evaluated: 2026-01-11. Review status: criteria provided, single submitter. Criteria: Invitae Variant Classification Sherloc (09022015). Collection method: clinical testing. Allele origin: germline. Not counted in ClinVar's aggregate classification.

PreventionGenetics, part of Exact Sciences
Classification: Likely benign for RS1-related condition. Last evaluated: 2025-04-15. Review status: criteria provided, single submitter. Criteria: ACMG Guidelines, 2015. Collection method: clinical testing. Allele origin: germline. Not counted in ClinVar's aggregate classification.
Comment: This variant is classified as likely benign based on ACMG/AMP sequence variant interpretation guidelines (Richards et al. 2015 PMID: 25741868, with internal and published modifications).

Blueprint Genetics
Classification: Benign. Last evaluated: 2022-11-04. Review status: criteria provided, single submitter. Criteria: ACMG Guidelines, 2015. Collection method: clinical testing. Allele origin: germline. Not counted in ClinVar's aggregate classification.

Institute of Human Genetics, Univ. Regensburg, Univ. Regensburg
Classification: Likely pathogenic for Retinal dystrophy. Last evaluated: 2010-01-01. Review status: criteria provided, single submitter. Criteria: ACMG Guidelines, 2015. Collection method: clinical testing. Allele origin: germline. Affected: yes. Not counted in ClinVar's aggregate classification.

Dr. Peter K. Rogan Lab, Western University
No classification provided (evidence only). Condition: Clear cell carcinoma of kidney. Review status: no classification provided. Collection method: in vitro. Allele origin: not applicable. Functional consequence: retained intron. Not counted in ClinVar's aggregate classification.

Literature cited by the submitters: PubMed 35119454 (cited by Institute of Human Genetics, Univ. Regensburg, Univ. Regensburg).